The following is an entry in ClinVar:

ClinVar aggregate classification (germline): Pathogenic (1 of 4 stars; one submission).

Submission:

Labcorp Genetics (formerly Invitae), Labcorp
Classification: Pathogenic. Last evaluated: 2023-12-11. Review status: criteria provided, single submitter. Criteria: Invitae Variant Classification Sherloc (09022015). Collection method: clinical testing. Allele origin: germline.
Comment: This sequence change creates a premature translational stop signal (p.Arg77Profs*52) in the MPLKIP gene. While this is not anticipated to result in nonsense mediated decay, it is expected to disrupt the last 103 amino acid(s) of the MPLKIP protein. This variant is not present in population databases (gnomAD no frequency). This variant has not been reported in the literature in individuals affected with MPLKIP-related conditions. ClinVar contains an entry for this variant (Variation ID: 2026806). This variant disrupts a region of the MPLKIP protein in which other variant(s) (p.Met144Val) have been determined to be pathogenic (PMID: 15645389). This suggests that this is a clinically significant region of the protein, and that variants that disrupt it are likely to be disease-causing. For these reasons, this variant has been classified as Pathogenic.

Literature cited by the submitters: PubMed 15645389.

NM_138701.4(MPLKIP):c.221dup (p.Arg77fs)

Gene: MPLKIP (M-phase specific PLK1 interacting protein; minus strand). Cytogenetic location: 7p14.1.
Variant type: Duplication.
Coding change: c.221dup on transcript NM_138701.4 (MANE Select); coding-DNA position 221, one base duplicated (C; older notation c.221dupC).
Protein change: p.Arg77fs; shifts the reading frame from arginine 77.
Molecular consequence: frameshift variant.
Genome position (GRCh38, 1-based): chr7:40,134,347, G duplicated on the plus strand (C on the coding strand, the reverse complement: MPLKIP is on the minus strand); the first of 3 consecutive G bases (chr7:40,134,347-40,134,349); duplicating any one gives the same sequence. VCF-style (leftmost placement, unchanged base first): chr7-40134346-C-CG. GRCh37 (hg19) VCF-style: chr7-40173945-C-CG.
Other names: short protein forms R77fs.
Identifiers: ClinVar variation 2026806 (VCV002026806.4), dbSNP rs2484141220, ClinGen allele CA454825180.